The following is an entry in ClinVar:

ClinVar aggregate classification (germline): Benign. Review status: criteria provided, multiple submitters, no conflicts (2 of 4 stars). 2 submissions from 2 submitters: Benign (2). Last evaluated 2024-01-25.

Conditions:
Emery-Dreifuss muscular dystrophy 5, autosomal dominant (EDMD5). Also called: EMERY-DREIFUSS MUSCULAR DYSTROPHY 5. Identifiers: Orphanet 261, MedGen C2751805, MONDO:0013072, OMIM 612999.

Allele frequency attached by ClinVar (database versions not stated): gnomAD 0.00003 and 0.00004; gnomAD exomes 0.00003 and 0.00014; TOPMed 0.00010; ExAC 0.00016; 1000 Genomes Project 0.00040; 1000 Genomes Project 30x 0.00047.
gnomAD v4.1: 51 of 1,614,076 alleles (0.0032%); highest among the groups gnomAD compares: East Asian, 0.11%; no homozygotes.

Submissions (3):

Labcorp Genetics (formerly Invitae), Labcorp
Classification: Benign for Emery-Dreifuss muscular dystrophy 5, autosomal dominant. Last evaluated: 2024-01-25. Review status: criteria provided, single submitter. Criteria: Invitae Variant Classification Sherloc (09022015). Collection method: clinical testing. Allele origin: germline.

Illumina Laboratory Services, Illumina
Classification: Benign for Emery-Dreifuss muscular dystrophy 5, autosomal dominant. Last evaluated: 2018-01-13. Review status: criteria provided, single submitter. Criteria: ICSL Variant Classification Criteria 13 December 2019. Collection method: clinical testing. Allele origin: germline.
Comment: This variant was observed in the ICSL laboratory as part of a predisposition screen in an ostensibly healthy population. It had not been previously curated by ICSL or reported in the Human Gene Mutation Database (HGMD: prior to June 1st, 2018), and was therefore a candidate for classification through an automated scoring system. Utilizing variant allele frequency, disease prevalence and penetrance estimates, and inheritance mode, an automated score was calculated to assess if this variant is too frequent to cause the disease. Based on the score and internal cut-off values, a variant classified as benign is not then subjected to further curation. The score for this variant resulted in a classification of benign for this disease.

Dr. Peter K. Rogan Lab, Western University
No classification provided (evidence only). Condition: Malignant tumor of esophagus. Review status: no classification provided. Collection method: in vitro. Allele origin: not applicable. Functional consequence: retained intron. Not counted in ClinVar's aggregate classification.

NM_182914.3(SYNE2):c.13689C>T (p.Gly4563=)

Gene: SYNE2 (spectrin repeat containing nuclear envelope protein 2; plus strand). Cytogenetic location: 14q23.2.
Variant type: single nucleotide variant.
Coding change: c.13689C>T on transcript NM_182914.3 (MANE Select); coding-DNA position 13689, C replaced by T.
Protein change: p.Gly4563=; no amino-acid change (glycine 4563 retained).
Molecular consequence: synonymous variant.
Genome position (GRCh38, 1-based): chr14:64,126,461, C>T. VCF-style: chr14-64126461-C-T. GRCh37 (hg19) VCF-style: chr14-64593179-C-T.
Other names: c.13689C>T, p.Gly4563= (NM_015180.6).
Identifiers: ClinVar variation 313590 (VCV000313590.13), dbSNP rs186567969, ClinGen allele CA7222523.
Genomic context (GRCh38, chr14:64,126,461, plus strand): 5'-CCTCAGCAGTGTGGAGGAGATGCTGGAGATGCCCAGACTTTACAGGGAGGATGGTTCTGG[C>T]CAGCAGGTGCACTACGAGGTAGGGCACTTCTCACGAGCCCATGTGTTGGCCATTACAGCA-3'
Protein context (NP_878918.2, residues 4553-4573): MPRLYREDGS[Gly4563=]QQVHYETLAL